The following is an entry in ClinVar:

ClinVar aggregate classification (germline): Benign. Review status: criteria provided, multiple submitters, no conflicts (2 of 4 stars). 20 submissions from 15 submitters: Benign (17). 3 of the submissions do not count toward it. Last evaluated 2026-05-08.

Conditions:
Connective tissue disorder. Also called: Connective tissue disease. Identifiers: MedGen C0009782, MONDO:0003900.
Fibrochondrogenesis 2 (FBCG2). Identifiers: Orphanet 2021, MedGen C3281128, MONDO:0013795, OMIM 614524.
Autosomal recessive nonsyndromic hearing loss 53. Identifiers: Orphanet 90636, MedGen C1864746, MONDO:0012333, OMIM 609706.
Autosomal dominant nonsyndromic hearing loss 13. Identifiers: Orphanet 90635, MedGen C1866095, MONDO:0011159, OMIM 601868.
Otospondylomegaepiphyseal dysplasia, autosomal dominant (OSMEDA). Also called: COL11A2-Related Stickler Syndrome; Stickler syndrome, type 3; Pierre Robin syndrome with fetal chondrodysplasia. Identifiers: Orphanet 166100, Orphanet 3450, MedGen C1848488, MONDO:0008490, OMIM 184840.
Otospondylomegaepiphyseal dysplasia, autosomal recessive (OSMEDB). Also called: CHONDRODYSTROPHY WITH SENSORINEURAL DEAFNESS; Insley-Astley syndrome. Identifiers: Orphanet 1427, MedGen CN034493, MONDO:0044206, OMIM 215150.

Allele frequency attached by ClinVar (database versions not stated): ESP Exome Variant Server 0.29736; gnomAD exomes 0.29842 and 0.31168; gnomAD 0.31476 and 0.31478; TOPMed 0.31787; 1000 Genomes Project 0.32208; 1000 Genomes Project 30x 0.32527; ExAC 0.34709.
gnomAD v4.1: 483,130 of 1,548,026 alleles (31%); highest among the groups gnomAD compares: South Asian, 39%; 77,240 homozygotes.

Submissions (20):

Women's Health and Genetics/Laboratory Corporation of America, LabCorp
Classification: Benign. Last evaluated: 2026-05-08. Review status: criteria provided, single submitter. Criteria: LabCorp Variant Classification Summary - May 2015. Collection method: clinical testing. Allele origin: germline.

Labcorp Genetics (formerly Invitae), Labcorp
Classification: Benign. Last evaluated: 2026-02-04. Review status: criteria provided, single submitter. Criteria: Invitae Variant Classification Sherloc (09022015). Collection method: clinical testing. Allele origin: germline.

ARUP Laboratories, Molecular Genetics and Genomics, ARUP Laboratories
Classification: Benign. Last evaluated: 2025-07-22. Review status: criteria provided, single submitter. Criteria: ARUP Molecular Germline Variant Investigation Process 2024. Collection method: clinical testing. Allele origin: germline.

Blueprint Genetics
Classification: Benign. Last evaluated: 2024-11-27. Review status: criteria provided, single submitter. Criteria: ACMG Guidelines, 2015. Collection method: clinical testing. Allele origin: germline.

Genome Diagnostics Laboratory, The Hospital for Sick Children
Classification: Benign for Connective tissue disorder. Last evaluated: 2022-06-30. Review status: criteria provided, single submitter. Criteria: ACMG Guidelines, 2015. Collection method: clinical testing. Allele origin: germline.

Genome-Nilou Lab
Classification: Benign for Autosomal dominant nonsyndromic hearing loss 13. Last evaluated: 2021-07-22. Review status: criteria provided, single submitter. Criteria: ACMG Guidelines, 2015. Collection method: clinical testing. Allele origin: germline. Affected: no.

Genome-Nilou Lab
Classification: Benign for Autosomal recessive nonsyndromic hearing loss 53. Last evaluated: 2021-07-22. Review status: criteria provided, single submitter. Criteria: ACMG Guidelines, 2015. Collection method: clinical testing. Allele origin: germline. Affected: no.

Genome-Nilou Lab
Classification: Benign for Fibrochondrogenesis 2. Last evaluated: 2021-07-22. Review status: criteria provided, single submitter. Criteria: ACMG Guidelines, 2015. Collection method: clinical testing. Allele origin: germline. Affected: no.

Genome-Nilou Lab
Classification: Benign for Otospondylomegaepiphyseal dysplasia, autosomal dominant. Last evaluated: 2021-07-22. Review status: criteria provided, single submitter. Criteria: ACMG Guidelines, 2015. Collection method: clinical testing. Allele origin: germline. Affected: no.

Genome-Nilou Lab
Classification: Benign for Otospondylomegaepiphyseal dysplasia, autosomal recessive. Last evaluated: 2021-07-22. Review status: criteria provided, single submitter. Criteria: ACMG Guidelines, 2015. Collection method: clinical testing. Allele origin: germline. Affected: no.

Mayo Clinic Laboratories, Mayo Clinic
Classification: Benign. Last evaluated: 2020-10-02. Review status: criteria provided, single submitter. Criteria: ACMG Guidelines, 2015. Collection method: clinical testing. Allele origin: germline. Observed: 79 variant alleles.

Illumina Laboratory Services, Illumina
Classification: Benign for Fibrochondrogenesis 2. Last evaluated: 2017-04-27. Review status: criteria provided, single submitter. Criteria: ICSL Variant Classification Criteria 13 December 2019. Collection method: clinical testing. Allele origin: germline.
Comment: This variant was observed as part of a predisposition screen in an ostensibly healthy population. A literature search was performed for the gene, cDNA change, and amino acid change (where applicable). No publications were found based on this search. Allele frequency data from public databases was too high to be consistent with this variant causing disease. Therefore, this variant is classified as benign.

Illumina Laboratory Services, Illumina
Classification: Benign for Otospondylomegaepiphyseal dysplasia, autosomal recessive. Last evaluated: 2017-04-27. Review status: criteria provided, single submitter. Criteria: ICSL Variant Classification Criteria 13 December 2019. Collection method: clinical testing. Allele origin: germline.
Comment: the same text as in the submission from Illumina Laboratory Services, Illumina above.

GeneDx
Classification: Benign. Last evaluated: 2016-09-29. Review status: criteria provided, single submitter. Criteria: GeneDx Variant Classification (06012015). Collection method: clinical testing. Allele origin: germline. Affected: yes.
Comment: This variant is considered likely benign or benign based on one or more of the following criteria: it is a conservative change, it occurs at a poorly conserved position in the protein, it is predicted to be benign by multiple in silico algorithms, and/or has population frequency not consistent with disease.

Eurofins Ntd Llc (ga)
Classification: Benign. Last evaluated: 2016-01-08. Review status: criteria provided, single submitter. Criteria: EGL Classification Definitions 2015. Collection method: clinical testing. Allele origin: germline. Observed: 31 variant alleles, 25 heterozygotes, 6 homozygotes.

Laboratory for Molecular Medicine, Mass General Brigham Personalized Medicine
Classification: Benign. Last evaluated: 2012-05-07. Review status: criteria provided, single submitter. Criteria: LMM Criteria. Collection method: clinical testing. Allele origin: germline. Observed: 902 variant alleles.
Comment: 877-4T>A in Intron 06 of COL11A2: This variant is not expected to have clinical significance because it is not located within the conserved splice consensus seq uence and has been identified in 32.8% (1000/3050) of African American chromosom es from a broad population by the NHLBI Exome Sequencing Project (.; dbSNP rs1799907).

PreventionGenetics, part of Exact Sciences
Classification: Benign. Review status: criteria provided, single submitter. Criteria: ACMG Guidelines, 2015. Collection method: clinical testing. Allele origin: germline.

Diagnostic Laboratory, Department of Genetics, University Medical Center Groningen
Classification: Benign. Review status: no assertion criteria provided. Collection method: clinical testing. Allele origin: germline. Affected: yes. Study: VKGL Data-share Consensus. Not counted in ClinVar's aggregate classification.

Genome Diagnostics Laboratory, Amsterdam University Medical Center
Classification: Benign. Review status: no assertion criteria provided. Collection method: clinical testing. Allele origin: germline. Affected: yes. Study: VKGL Data-share Consensus. Not counted in ClinVar's aggregate classification.

Joint Genome Diagnostic Labs from Nijmegen and Maastricht, Radboudumc and MUMC+
Classification: Benign. Review status: no assertion criteria provided. Collection method: clinical testing. Allele origin: germline. Affected: yes. Study: VKGL Data-share Consensus. Not counted in ClinVar's aggregate classification.

NM_080680.3(COL11A2):c.877-4T>A

Gene: COL11A2 (collagen type XI alpha 2 chain; minus strand). Cytogenetic location: 6p21.32.
Variant type: single nucleotide variant.
Coding change: c.877-4T>A on transcript NM_080680.3 (MANE Select); 4 bases into the intron before coding-DNA position 877, T replaced by A.
Molecular consequence: intron variant.
Genome position (GRCh38, 1-based): chr6:33,185,058, A>T on the plus strand (T>A on the coding strand, the complement: COL11A2 is on the minus strand). VCF-style: chr6-33185058-A-T. GRCh37 (hg19) VCF-style: chr6-33152835-A-T.
Other names: p.?; c.798+1569T>A (NM_080679.3); c.799-4T>A (NM_080681.3).
Identifiers: ClinVar variation 46570 (VCV000046570.49), dbSNP rs1799907, ClinGen allele CA138638.